The following is an entry in ClinVar:

NM_177550.5(SLC13A5):c.425del (p.Thr142fs)

Gene: SLC13A5 (solute carrier family 13 member 5; minus strand). Cytogenetic location: 17p13.1.
Variant type: Deletion.
Coding change: c.425del on transcript NM_177550.5 (MANE Select); coding-DNA position 425, one base deleted (C; older notation c.425delC).
Protein change: p.Thr142fs; shifts the reading frame from threonine 142.
Molecular consequence: frameshift variant.
Genome position (GRCh38, 1-based): chr17:6,704,000, G deleted on the plus strand (C on the coding strand, the reverse complement: SLC13A5 is on the minus strand). VCF-style (leftmost placement, unchanged base first): chr17-6703999-CG-C. GRCh37 (hg19) VCF-style: chr17-6607318-CG-C.
Other names: c.425del, p.Thr142fs (NM_001143838.3); c.374del, p.Thr125fs (NM_001284509.2); c.296del, p.Thr99fs (NM_001284510.2); short protein forms T125fs, T142fs, T99fs.
Identifiers: ClinVar variation 1676531 (VCV001676531.3), dbSNP rs2151495220, ClinGen allele CA2573154492.

ClinVar aggregate classification (germline): Likely pathogenic (1 of 4 stars; one submission).

Conditions:
Developmental and epileptic encephalopathy, 25 (DEE25). Also called: Epileptic encephalopathy, early infantile, 25; Developmental and epileptic encephalopathy 25, with amelogenesis imperfecta; Epileptic encephalopathy, early infantile, 25, with amelogenesis imperfecta. Identifiers: Orphanet 442835, MedGen C4014621, MONDO:0014392, OMIM 615905.

Submission:

Greenwood Genetic Center Diagnostic Laboratories, Greenwood Genetic Center
Classification: Likely pathogenic for Developmental and epileptic encephalopathy, 25. Last evaluated: 2022-01-04. Review status: criteria provided, single submitter. Criteria: ACMG Guidelines, 2015. Collection method: clinical testing. Allele origin: germline. Affected: yes.
Comment: PVS1, PM2